The following is an entry in ClinVar:

ClinVar aggregate classification (germline): Uncertain significance (1 of 4 stars; one submission).

Conditions:
Pyogenic arthritis-pyoderma gangrenosum-acne syndrome (PAPA). Also called: FAMILIAL RECURRENT ARTHRITIS; PAPA SYNDROME. Identifiers: Orphanet 69126, MedGen C1858361, MONDO:0011462, OMIM 604416.

Submission:

Labcorp Genetics (formerly Invitae), Labcorp
Classification: Uncertain significance for Pyogenic arthritis-pyoderma gangrenosum-acne syndrome. Last evaluated: 2024-07-19. Review status: criteria provided, single submitter. Criteria: Invitae Variant Classification Sherloc (09022015). Collection method: clinical testing. Allele origin: germline.
Comment: This sequence change replaces aspartic acid, which is acidic and polar, with glycine, which is neutral and non-polar, at codon 150 of the PSTPIP1 protein (p.Asp150Gly). The frequency data for this variant in the population databases is considered unreliable, as metrics indicate poor data quality at this position in the gnomAD database. This variant has not been reported in the literature in individuals affected with PSTPIP1-related conditions. Advanced modeling of protein sequence and biophysical properties (such as structural, functional, and spatial information, amino acid conservation, physicochemical variation, residue mobility, and thermodynamic stability) has been performed at Invitae for this missense variant, however the output from this modeling did not meet the statistical confidence thresholds required to predict the impact of this variant on PSTPIP1 protein function. In summary, the available evidence is currently insufficient to determine the role of this variant in disease. Therefore, it has been classified as a Variant of Uncertain Significance.

NM_003978.5(PSTPIP1):c.449A>G (p.Asp150Gly)

Gene: PSTPIP1 (proline-serine-threonine phosphatase interacting protein 1; plus strand). Cytogenetic location: 15q24.3.
Variant type: single nucleotide variant.
Coding change: c.449A>G on transcript NM_003978.5 (MANE Select); coding-DNA position 449, A replaced by G.
Protein change: p.Asp150Gly; replaces aspartic acid 150 with glycine.
Molecular consequence: missense variant. On other transcripts: non-coding transcript variant (1).
Genome position (GRCh38, 1-based): chr15:77,028,585, A>G. VCF-style: chr15-77028585-A-G. GRCh37 (hg19) VCF-style: chr15-77320926-A-G.
Other names: c.449A>G, p.Asp150Gly (NM_001321135.2, NM_001411086.1); c.422A>G, p.Asp141Gly (NM_001321136.2); c.644A>G, p.Asp215Gly (NM_001321137.1); short protein forms D215G, D141G, D150G.
Identifiers: ClinVar variation 3671722 (VCV003671722.2).